The following is an entry in ClinVar:

ClinVar aggregate classification (germline): Pathogenic (1 of 4 stars; one submission).

Conditions:
Familial cancer of breast. Also called: Hereditary breast cancer; BREAST CANCER, FAMILIAL; hereditary breast carcinoma. Identifiers: Orphanet 227535, MedGen C0346153, MONDO:0016419, OMIM 114480. Disease mechanism: loss of function.

Submission:

Myriad Genetics, Inc.
Classification: Pathogenic for Familial cancer of breast. Last evaluated: 2023-06-27. Review status: criteria provided, single submitter. Criteria: Myriad Autosomal Dominant, Autosomal Recessive and X-Linked Classification Criteria (2023). Collection method: clinical testing. Allele origin: unknown.
Comment: This variant is considered pathogenic. This variant creates a frameshift predicted to result in premature protein truncation.

NM_007194.4(CHEK2):c.975_978del (p.Lys325fs)

Gene: CHEK2 (checkpoint kinase 2; minus strand). Cytogenetic location: 22q12.1.
Variant type: Deletion.
Coding change: c.975_978del on transcript NM_007194.4 (MANE Select); coding-DNA positions 975 to 978, 4 bases deleted (GCTC; older notation c.975_978delGCTC).
Protein change: p.Lys325fs; shifts the reading frame from lysine 325.
Molecular consequence: frameshift variant.
Genome position (GRCh38, 1-based): chr22:28,699,868-28,699,871, GAGC deleted on the plus strand (GCTC on the coding strand, the reverse complement: CHEK2 is on the minus strand). VCF-style (leftmost placement, unchanged base first): chr22-28699867-AGAGC-A. GRCh37 (hg19) VCF-style: chr22-29095855-AGAGC-A.
Other names: c.1104_1107delGCTC, p.Lys368Asnfs (NM_001005735.3); c.312_315delGCTC, p.Lys104Asnfs (NM_001257387.3); c.774_777delGCTC, p.Lys258Asnfs (NM_001349956.3); c.975_978delGCTC, p.Lys325Asnfs (NM_145862.3); short protein forms K104fs, K258fs, K325fs, K368fs.
Identifiers: ClinVar variation 2583463 (VCV002583463.2), dbSNP rs2517848333, ClinGen allele CA2582342817.